The following is an entry in ClinVar:

ClinVar aggregate classification (germline): Pathogenic (1 of 4 stars; one submission).

Conditions:
Schwannomatosis (SWNTS1). Identifiers: Orphanet 93921, MedGen C1335929, MeSH C536641, MONDO:0008075.

Submission:

UAB Medical Genomics Laboratory, UAB Medicine
Classification: Pathogenic for schwannomatosis. Last evaluated: 2021-05-05. Review status: criteria provided, single submitter. Criteria: ACMG Guidelines, 2015. Collection method: clinical testing. Allele origin: germline. Affected: yes. Observed: 1 variant allele.
Comment: splicing effect confirmed with RNA-based approach

NM_003073.5(SMARCB1):c.500+883T>G

Gene: SMARCB1 (SWI/SNF related BAF chromatin remodeling complex subunit B1; plus strand). Cytogenetic location: 22q11.23.
Variant type: single nucleotide variant.
Coding change: c.500+883T>G on transcript NM_003073.5 (MANE Select); 883 bases into the intron after coding-DNA position 500, T replaced by G.
Molecular consequence: intron variant.
Genome position (GRCh38, 1-based): chr22:23,801,964, T>G. VCF-style: chr22-23801964-T-G. GRCh37 (hg19) VCF-style: chr22-24144151-T-G.
Other names: c.554+829T>G (NM_001362877.2); c.527+829T>G (NM_001317946.2); c.473+883T>G (NM_001007468.3).
Identifiers: ClinVar variation 1192514 (VCV001192514.2), dbSNP rs2145980559, ClinGen allele CA2573054982.